The following is an entry in ClinVar:

NM_020778.5(ALPK3):c.1406C>T (p.Ser469Phe)

Gene: ALPK3 (alpha kinase 3; plus strand). Cytogenetic location: 15q25.3.
Variant type: single nucleotide variant.
Coding change: c.1406C>T on transcript NM_020778.5 (MANE Select); coding-DNA position 1406, C replaced by T.
Protein change: p.Ser469Phe; replaces serine 469 with phenylalanine.
Molecular consequence: missense variant.
Genome position (GRCh38, 1-based): chr15:84,840,685, C>T. VCF-style: chr15-84840685-C-T. GRCh37 (hg19) VCF-style: chr15-85383916-C-T.
Other names: short protein forms S469F.
Identifiers: ClinVar variation 2563947 (VCV002563947.5), dbSNP rs746457084, ClinGen allele CA7709180.

ClinVar aggregate classification (germline): Uncertain significance. Review status: criteria provided, multiple submitters, no conflicts (2 of 4 stars). 2 submissions from 2 submitters: Uncertain significance (2). Last evaluated 2024-08-24.

Conditions:
Cardiovascular phenotype. Identifiers: MedGen CN230736.

Allele frequency attached by ClinVar (database versions not stated): TOPMed below 0.00001; ExAC 0.00001.
gnomAD v4.1: 16 of 1,605,398 alleles (0.001%); highest among the groups gnomAD compares: Non-Finnish European, 0.0014%; no homozygotes.

Submissions (2):

Labcorp Genetics (formerly Invitae), Labcorp
Classification: Uncertain significance. Last evaluated: 2024-08-24. Review status: criteria provided, single submitter. Criteria: Invitae Variant Classification Sherloc (09022015). Collection method: clinical testing. Allele origin: germline.
Comment: This sequence change replaces serine, which is neutral and polar, with phenylalanine, which is neutral and non-polar, at codon 671 of the ALPK3 protein (p.Ser671Phe). This variant is present in population databases (rs746457084, gnomAD 0.0009%). This variant has not been reported in the literature in individuals affected with ALPK3-related conditions. ClinVar contains an entry for this variant (Variation ID: 2563947). An algorithm developed to predict the effect of missense changes on protein structure and function (PolyPhen-2) suggests that this variant is likely to be tolerated. In summary, the available evidence is currently insufficient to determine the role of this variant in disease. Therefore, it has been classified as a Variant of Uncertain Significance.

Ambry Genetics
Classification: Uncertain significance for Cardiovascular phenotype. Last evaluated: 2023-04-22. Review status: criteria provided, single submitter. Criteria: Ambry Variant Classification Scheme 2023. Collection method: clinical testing. Allele origin: germline.
Comment: The p.S671F variant (also known as c.2012C>T), located in coding exon 5 of the ALPK3 gene, results from a C to T substitution at nucleotide position 2012. The serine at codon 671 is replaced by phenylalanine, an amino acid with highly dissimilar properties. This amino acid position is conserved. In addition, this alteration is predicted to be tolerated by in silico analysis. Since supporting evidence is limited at this time, the clinical significance of this alteration remains unclear.